The following is an entry in ClinVar:

NM_032578.4(MYPN):c.893C>T (p.Pro298Leu)

Gene: MYPN (myopalladin; plus strand). Cytogenetic location: 10q21.3.
Variant type: single nucleotide variant.
Coding change: c.893C>T on transcript NM_032578.4 (MANE Select); coding-DNA position 893, C replaced by T.
Protein change: p.Pro298Leu; replaces proline 298 with leucine.
Molecular consequence: missense variant. On other transcripts: 5 prime UTR variant (1), non-coding transcript variant (1).
Genome position (GRCh38, 1-based): chr10:68,122,331, C>T. VCF-style: chr10-68122331-C-T. GRCh37 (hg19) VCF-style: chr10-69882088-C-T.
Other names: c.893C>T, p.Pro298Leu (NM_001256267.2); c.-230C>T (NM_001256268.2); short protein forms P298L.
Identifiers: ClinVar variation 930012 (VCV000930012.4), dbSNP rs2042258631, ClinGen allele CA377105321.

ClinVar aggregate classification (germline): Uncertain significance (1 of 4 stars; one submission).

Submission:

Laboratory for Molecular Medicine, Mass General Brigham Personalized Medicine
Classification: Uncertain significance. Last evaluated: 2019-05-02. Review status: criteria provided, single submitter. Criteria: LMM Criteria. Collection method: clinical testing. Allele origin: germline. Observed: 1 variant allele.
Comment: The p.Pro298Leu variant in MYPN has not been previously reported in individuals with cardiomyopathy and was absent from large population studies. Computational prediction tools and conservation analysis suggest that this variant may impact the protein, though this information is not predictive enough to determine pathogenicity. In summary, the clinical significance of this variant is uncertain. ACMG/AMP Criteria applied: PM2, PP3